The following is an entry in ClinVar:

NM_152468.5(TMC8):c.1402_1403delinsTT (p.Glu468Leu)

Gene: TMC8 (transmembrane channel like 8; plus strand). Cytogenetic location: 17q25.3.
Variant type: Indel.
Coding change: c.1402_1403delinsTT on transcript NM_152468.5 (MANE Select); coding-DNA positions 1402 to 1403, GA replaced by TT.
Protein change: p.Glu468Leu; replaces glutamic acid 468 with leucine.
Molecular consequence: missense variant.
Genome position (GRCh38, 1-based): chr17:78,138,057-78,138,058, GA replaced by TT. VCF-style: chr17-78138057-GA-TT. GRCh37 (hg19) VCF-style: chr17-76134138-GA-TT.
Other names: short protein forms E468L.
Identifiers: ClinVar variation 1025810 (VCV001025810.8), dbSNP rs2075281016, ClinGen allele CA2276817854.

ClinVar aggregate classification (germline): Uncertain significance (1 of 4 stars; one submission).

Conditions:
Epidermodysplasia verruciformis. Identifiers: Orphanet 302, MedGen C0014522, MONDO:0009176.

Submission:

Labcorp Genetics (formerly Invitae), Labcorp
Classification: Uncertain significance for Epidermodysplasia verruciformis. Last evaluated: 2025-01-18. Review status: criteria provided, single submitter. Criteria: Invitae Variant Classification Sherloc (09022015). Collection method: clinical testing. Allele origin: germline.
Comment: This sequence change replaces glutamic acid, which is acidic and polar, with leucine, which is neutral and non-polar, at codon 468 of the TMC8 protein (p.Glu468Leu). This variant is present in population databases (no rsID available, gnomAD 0.0004%). This variant has not been reported in the literature in individuals affected with TMC8-related conditions. ClinVar contains an entry for this variant (Variation ID: 1025810). An algorithm developed to predict the effect of missense changes on protein structure and function (PolyPhen-2) suggests that this variant is likely to be disruptive. In summary, the available evidence is currently insufficient to determine the role of this variant in disease. Therefore, it has been classified as a Variant of Uncertain Significance.